The following is an entry in ClinVar:

NM_001283009.2(RTEL1):c.526A>G (p.Asn176Asp)

Genes: RTEL1 (regulator of telomere elongation helicase 1; plus strand), RTEL1-TNFRSF6B (RTEL1-TNFRSF6B readthrough (NMD candidate); plus strand). Cytogenetic location: 20q13.33.
Variant type: single nucleotide variant.
Coding change: c.526A>G on transcript NM_001283009.2 (MANE Select); coding-DNA position 526, A replaced by G.
Protein change: p.Asn176Asp; replaces asparagine 176 with aspartic acid.
Molecular consequence: missense variant. On other transcripts: non-coding transcript variant (1), 5 prime UTR variant (1).
Genome position (GRCh38, 1-based): chr20:63,662,877, A>G. VCF-style: chr20-63662877-A-G. GRCh37 (hg19) VCF-style: chr20-62294230-A-G.
Other names: c.-144A>G (NM_001283010.1); c.526A>G, p.Asn176Asp (NM_016434.4); c.598A>G, p.Asn200Asp (NM_032957.5); short protein forms N200D, N176D.
Identifiers: ClinVar variation 1421234 (VCV001421234.8), dbSNP rs2146155790, ClinGen allele CA409670045.

ClinVar aggregate classification (germline): Uncertain significance (1 of 4 stars; one submission).

Conditions:
Dyskeratosis congenita, autosomal recessive 5 (DKCB5). Identifiers: MedGen C3554656, MONDO:0014076, OMIM 615190.
Pulmonary fibrosis and/or bone marrow failure, Telomere-related, 3. Also called: PULMONARY FIBROSIS AND/OR BONE MARROW FAILURE SYNDROME, TELOMERE-RELATED, 3. Identifiers: Orphanet 2032, MedGen C4225346, MONDO:0014613, OMIM 616373.

Submission:

Labcorp Genetics (formerly Invitae), Labcorp
Classification: Uncertain significance for Dyskeratosis congenita, autosomal recessive 5; Pulmonary fibrosis and/or bone marrow failure, Telomere-related, 3. Last evaluated: 2020-12-08. Review status: criteria provided, single submitter. Criteria: Invitae Variant Classification Sherloc (09022015). Collection method: clinical testing. Allele origin: germline.
Comment: In summary, the available evidence is currently insufficient to determine the role of this variant in disease. Therefore, it has been classified as a Variant of Uncertain Significance. Algorithms developed to predict the effect of missense changes on protein structure and function are either unavailable or do not agree on the potential impact of this missense change (SIFT: "Tolerated"; PolyPhen-2: "Possibly Damaging"; Align-GVGD: "Class C0"). This variant has not been reported in the literature in individuals with RTEL1-related conditions. This variant is not present in population databases (ExAC no frequency). This sequence change replaces asparagine with aspartic acid at codon 176 of the RTEL1 protein (p.Asn176Asp). The asparagine residue is moderately conserved and there is a small physicochemical difference between asparagine and aspartic acid.